The following is an entry in ClinVar:

NM_006363.6(SEC23B):c.2202T>A (p.Tyr734Ter)

Gene: SEC23B (SEC23 homolog B, COPII component; plus strand). Cytogenetic location: 20p11.23.
Variant type: single nucleotide variant.
Coding change: c.2202T>A on transcript NM_006363.6 (MANE Select); coding-DNA position 2202, T replaced by A.
Protein change: p.Tyr734Ter; replaces tyrosine 734 with a stop codon.
Molecular consequence: nonsense.
Genome position (GRCh38, 1-based): chr20:18,555,161, T>A. VCF-style: chr20-18555161-T-A. GRCh37 (hg19) VCF-style: chr20-18535805-T-A.
Other names: c.2202T>A, p.Tyr734Ter (NM_001172745.3, NM_032985.6, NM_032986.5); c.2148T>A, p.Tyr716Ter (NM_001172746.3); short protein forms Y734*, Y716*.
Identifiers: ClinVar variation 2946593 (VCV002946593.3), dbSNP rs1600281886, ClinGen allele CA408366770.

ClinVar aggregate classification (germline): Pathogenic (1 of 4 stars; one submission).

Conditions:
Congenital dyserythropoietic anemia, type II (CDAN2). Also called: DYSERYTHROPOIETIC ANEMIA, HEMPAS TYPE. Identifiers: Orphanet 98873, MedGen C1306589, MONDO:0009134, OMIM 224100.
Cowden syndrome 7 (CWS7). Identifiers: Orphanet 201, MedGen C4225179, MONDO:0014802, OMIM 616858.

Submission:

Labcorp Genetics (formerly Invitae), Labcorp
Classification: Pathogenic for Congenital dyserythropoietic anemia, type II; Cowden syndrome 7. Last evaluated: 2023-04-11. Review status: criteria provided, single submitter. Criteria: Invitae Variant Classification Sherloc (09022015). Collection method: clinical testing. Allele origin: germline.
Comment: For these reasons, this variant has been classified as Pathogenic. This variant disrupts a region of the SEC23B protein in which other variant(s) (p.Phe754Leufs*5) have been determined to be pathogenic (PMID: 27471141; Invitae). This suggests that this is a clinically significant region of the protein, and that variants that disrupt it are likely to be disease-causing. Algorithms developed to predict the effect of sequence changes on RNA splicing suggest that this variant may create or strengthen a splice site. This variant has not been reported in the literature in individuals affected with SEC23B-related conditions. This variant is not present in population databases (gnomAD no frequency). This sequence change creates a premature translational stop signal (p.Tyr734*) in the SEC23B gene. While this is not anticipated to result in nonsense mediated decay, it is expected to disrupt the last 34 amino acid(s) of the SEC23B protein.

Literature cited by the submitters: PubMed 27471141.